The following is an entry in ClinVar:

ClinVar aggregate classification (germline): Uncertain significance (1 of 4 stars; one submission).

Conditions:
Tuberous sclerosis 2 (TSC2). Identifiers: Orphanet 805, MedGen C1860707, MONDO:0013199, OMIM 613254.

gnomAD v4.1: 3 of 1,610,834 alleles (0.00019%); highest among the groups gnomAD compares: South Asian, 0.0011%; no homozygotes.

Submission:

Labcorp Genetics (formerly Invitae), Labcorp
Classification: Uncertain significance for Tuberous sclerosis 2. Last evaluated: 2020-02-19. Review status: criteria provided, single submitter. Criteria: Invitae Variant Classification Sherloc (09022015). Collection method: clinical testing. Allele origin: germline.
Comment: This sequence change falls in intron 30 of the TSC2 gene. It does not directly change the encoded amino acid sequence of the TSC2 protein, but it affects a nucleotide within the consensus splice site of the intron. This variant is not present in population databases (ExAC no frequency). This variant has not been reported in the literature in individuals with TSC2-related conditions. Nucleotide substitutions within the consensus splice site are a relatively common cause of aberrant splicing (PMID: 17576681, 9536098). Algorithms developed to predict the effect of sequence changes on RNA splicing suggest that this variant is not likely to affect RNA splicing, but this prediction has not been confirmed by published transcriptional studies. In summary, the available evidence is currently insufficient to determine the role of this variant in disease. Therefore, it has been classified as a Variant of Uncertain Significance.

Literature cited by the submitters: PubMed 17576681; PubMed 9536098.

NM_000548.5(TSC2):c.3610+5T>C

Gene: TSC2 (TSC complex subunit 2; plus strand). Cytogenetic location: 16p13.3.
Variant type: single nucleotide variant.
Coding change: c.3610+5T>C on transcript NM_000548.5 (MANE Select); 5 bases into the intron after coding-DNA position 3610, T replaced by C.
Molecular consequence: intron variant.
Genome position (GRCh38, 1-based): chr16:2,080,382, T>C. VCF-style: chr16-2080382-T-C. GRCh37 (hg19) VCF-style: chr16-2130383-T-C.
Other names: c.3610+5T>C (NM_001114382.3); c.3481+5T>C (NM_021055.3, NM_001370405.1, NM_001363528.2); c.3478+5T>C (NM_001370404.1, NM_001077183.3); c.3370+5T>C (NM_001318827.2); c.2878+5T>C (NM_001318831.2); c.3334+5T>C (NM_001318829.2); c.3511+5T>C (NM_001318832.2).
Identifiers: ClinVar variation 1053928 (VCV001053928.9), dbSNP rs2151463070, ClinGen allele CA2499223323.